The following is an entry in ClinVar:

ClinVar aggregate classification (germline): Conflicting classifications of pathogenicity. Review status: criteria provided, conflicting classifications (1 of 4 stars). 9 submissions from 9 submitters: Uncertain significance (7); Likely benign (1). 1 of the submissions does not count toward it. Last evaluated 2026-01-12.

Conditions:
Leukoencephalopathy with mild cerebellar ataxia and white matter edema (LKPAT). Also called: CLCN2-Related Leukoencephalopathy; Leukoencephalopathy with white matter edema; Brain white matter edema; Leukoencephalopathy with ataxia. Identifiers: Orphanet 363540, MedGen C4554120, MONDO:0014292, OMIM 615651. Disease mechanism: loss of function.
Familial hyperaldosteronism type II. Also called: FH II. Identifiers: Orphanet 404, MedGen C1854107, MONDO:0011576, OMIM 605635.
Epilepsy, idiopathic generalized, susceptibility to, 11 (EIG11). Identifiers: Orphanet 307, MedGen C2750893, MONDO:0011875, OMIM 607628.

Allele frequency attached by ClinVar (database versions not stated): 1000 Genomes Project 30x 0.00016; 1000 Genomes Project 0.00020; gnomAD 0.00056 and 0.00057; TOPMed 0.00065; ESP Exome Variant Server 0.00046.
gnomAD v4.1: 1,196 of 1,609,662 alleles (0.074%); highest among the groups gnomAD compares: Non-Finnish European, 0.096%; 4 homozygotes.

Submissions (9):

Labcorp Genetics (formerly Invitae), Labcorp
Classification: Uncertain significance. Last evaluated: 2026-01-12. Review status: criteria provided, single submitter. Criteria: Invitae Variant Classification Sherloc (09022015). Collection method: clinical testing. Allele origin: germline.
Comment: This sequence change replaces aspartic acid, which is acidic and polar, with asparagine, which is neutral and polar, at codon 599 of the CLCN2 protein (p.Asp599Asn). This variant is present in population databases (rs141242566, gnomAD 0.07%). This missense change has been observed in individual(s) with multiple sclerosis and in healthy controls (PMID: 28337550). ClinVar contains an entry for this variant (Variation ID: 217794). Invitae Evidence Modeling of protein sequence and biophysical properties (such as structural, functional, and spatial information, amino acid conservation, physicochemical variation, residue mobility, and thermodynamic stability) indicates that this missense variant is expected to disrupt CLCN2 protein function with a positive predictive value of 80%. In summary, the available evidence is currently insufficient to determine the role of this variant in disease. Therefore, it has been classified as a Variant of Uncertain Significance.

Mayo Clinic Laboratories, Mayo Clinic
Classification: Uncertain significance. Last evaluated: 2025-09-11. Review status: criteria provided, single submitter. Criteria: ACMG Guidelines, 2015. Collection method: clinical testing. Allele origin: germline. Observed: 2 variant alleles.
Comment: BS2

CeGaT Center for Human Genetics Tuebingen
Classification: Likely benign. Last evaluated: 2025-02-01. Review status: criteria provided, single submitter. Criteria: CeGaT Center For Human Genetics Tuebingen Variant Classification Criteria Version 2. Collection method: clinical testing. Allele origin: germline. Affected: yes. Observed: 2 variant alleles.
Comment: CLCN2: PP3, BS2

Blueprint Genetics
Classification: Uncertain significance. Last evaluated: 2024-11-14. Review status: criteria provided, single submitter. Criteria: ACMG Guidelines, 2015. Collection method: clinical testing. Allele origin: germline.

Fulgent Genetics
Classification: Uncertain significance for Familial hyperaldosteronism type II; Epilepsy, idiopathic generalized, susceptibility to, 11; Leukoencephalopathy with mild cerebellar ataxia and white matter edema. Last evaluated: 2024-02-13. Review status: criteria provided, single submitter. Criteria: ACMG Guidelines, 2015. Collection method: clinical testing. Allele origin: germline.

GeneDx
Classification: Uncertain significance. Last evaluated: 2020-07-22. Review status: criteria provided, single submitter. Criteria: GeneDx Variant Classification Process June 2021. Collection method: clinical testing. Allele origin: germline. Affected: yes.
Comment: In silico analysis supports that this missense variant has a deleterious effect on protein structure/function; Reported in patients with multiple sclerosis but also present in controls (Traboulsee et al., 2017); This variant is associated with the following publications: (PMID: 31589614, 31388831, 28337550)

Revvity Omics, Revvity
Classification: Uncertain significance. Last evaluated: 2020-01-24. Review status: criteria provided, single submitter. Criteria: ACMG Guidelines, 2015. Collection method: clinical testing. Allele origin: germline.

Genomic Research Center, Shahid Beheshti University of Medical Sciences
Classification: Uncertain significance. Last evaluated: 2019-01-01. Review status: criteria provided, single submitter. Criteria: ACMG Guidelines, 2015. Collection method: clinical testing. Allele origin: unknown. Affected: no. Observed: 1 variant allele.

GeneReviews
No classification provided. Condition: Leukoencephalopathy with mild cerebellar ataxia and white matter edema. Review status: no classification provided. Collection method: literature only. Allele origin: germline. Affected: yes. Not counted in ClinVar's aggregate classification.

Literature cited by the submitters: PubMed 28337550 (cited by Labcorp Genetics (formerly Invitae), Labcorp and Mayo Clinic Laboratories, Mayo Clinic); PubMed 31589614 (cited by Mayo Clinic Laboratories, Mayo Clinic); NCBI Bookshelf NBK326661 (cited by GeneReviews).

NM_004366.6(CLCN2):c.1795G>A (p.Asp599Asn)

Gene: CLCN2 (chloride voltage-gated channel 2; minus strand). Cytogenetic location: 3q27.1.
Variant type: single nucleotide variant.
Coding change: c.1795G>A on transcript NM_004366.6 (MANE Select); coding-DNA position 1795, G replaced by A.
Protein change: p.Asp599Asn; replaces aspartic acid 599 with asparagine.
Molecular consequence: missense variant.
Genome position (GRCh38, 1-based): chr3:184,353,722, C>T on the plus strand (G>A on the coding strand, the complement: CLCN2 is on the minus strand). VCF-style: chr3-184353722-C-T. GRCh37 (hg19) VCF-style: chr3-184071510-C-T.
Other names: c.1744G>A, p.Asp582Asn (NM_001171087.3); c.1663G>A, p.Asp555Asn (NM_001171088.3); c.1795G>A, p.Asp599Asn (NM_001171089.3); short protein forms D599N, D555N, D582N.
Identifiers: ClinVar variation 217794 (VCV000217794.42), dbSNP rs141242566, ClinGen allele CA347667.